The following is an entry in ClinVar:

NM_015001.3(SPEN):c.7207A>G (p.Ser2403Gly)

Gene: SPEN (spen family transcriptional repressor; plus strand). Cytogenetic location: 1p36.13.
Variant type: single nucleotide variant.
Coding change: c.7207A>G on transcript NM_015001.3 (MANE Select); coding-DNA position 7207, A replaced by G.
Protein change: p.Ser2403Gly; replaces serine 2403 with glycine.
Molecular consequence: missense variant.
Genome position (GRCh38, 1-based): chr1:15,933,447, A>G. VCF-style: chr1-15933447-A-G. GRCh37 (hg19) VCF-style: chr1-16259942-A-G.
Other names: short protein forms S2403G.
Identifiers: ClinVar variation 4994617 (VCV004994617.1).
Genomic context (GRCh38, chr1:15,933,447, plus strand): 5'-GAAGAAAAGCAGAGTGAGAAACCCCATTCCACTCCTCCTCAGTCATGTACTTCTGACCTA[A>G]GCAAGATTCCCTCCACAGAGAATTCGTCCCAAGAAATCAGTGTTGAGGAAAGGACTCCAA-3'
Protein context (NP_055816.2, residues 2393-2413): TPPQSCTSDL[Ser2403Gly]KIPSTENSSQ

ClinVar aggregate classification (germline): Uncertain significance (1 of 4 stars; one submission).

Conditions:
SPEN-related disorder. Also called: SPEN-related condition.

Submission:

PreventionGenetics, part of Exact Sciences
Classification: Uncertain significance for SPEN-related condition. Last evaluated: 2026-03-02. Review status: criteria provided, single submitter. Criteria: ACMG Guidelines, 2015. Collection method: clinical testing. Allele origin: germline.
Comment: The SPEN c.7207A>G variant is predicted to result in the amino acid substitution p.Ser2403Gly. To our knowledge, this variant has not been reported in the literature or in a large population database (gnomAD), indicating this variant is rare. At this time, the clinical significance of this variant is uncertain due to the absence of conclusive functional and genetic evidence.